The following is an entry in ClinVar:

ClinVar aggregate classification (germline): Uncertain significance (1 of 4 stars; one submission).

gnomAD v4.1: 4 of 1,614,216 alleles (0.00025%); highest among the groups gnomAD compares: Non-Finnish European, 0.00034%; no homozygotes.

Submission:

Labcorp Genetics (formerly Invitae), Labcorp
Classification: Uncertain significance. Last evaluated: 2025-11-03. Review status: criteria provided, single submitter. Criteria: Invitae Variant Classification Sherloc (09022015). Collection method: clinical testing. Allele origin: germline.
Comment: This sequence change replaces threonine, which is neutral and polar, with isoleucine, which is neutral and non-polar, at codon 336 of the NFE2L2 protein (p.Thr336Ile). This variant is not present in population databases (gnomAD no frequency). This variant has not been reported in the literature in individuals affected with NFE2L2-related conditions. ClinVar contains an entry for this variant (Variation ID: 2972872). Invitae Evidence Modeling of protein sequence and biophysical properties (such as structural, functional, and spatial information, amino acid conservation, physicochemical variation, residue mobility, and thermodynamic stability) indicates that this missense variant is not expected to disrupt NFE2L2 protein function with a negative predictive value of 80%. In summary, the available evidence is currently insufficient to determine the role of this variant in disease. Therefore, it has been classified as a Variant of Uncertain Significance.

NM_006164.5(NFE2L2):c.1007C>T (p.Thr336Ile)

Gene: NFE2L2 (NFE2 like bZIP transcription factor 2; minus strand). Cytogenetic location: 2q31.2.
Variant type: single nucleotide variant.
Coding change: c.1007C>T on transcript NM_006164.5 (MANE Select); coding-DNA position 1007, C replaced by T.
Protein change: p.Thr336Ile; replaces threonine 336 with isoleucine.
Molecular consequence: missense variant.
Genome position (GRCh38, 1-based): chr2:177,231,596, G>A on the plus strand (C>T on the coding strand, the complement: NFE2L2 is on the minus strand). VCF-style: chr2-177231596-G-A. GRCh37 (hg19) VCF-style: chr2-178096324-G-A.
Other names: c.959C>T, p.Thr320Ile (NM_001145412.3, NM_001313900.1, NM_001313901.1); c.938C>T, p.Thr313Ile (NM_001145413.3); c.917C>T, p.Thr306Ile (NM_001313902.2); c.788C>T, p.Thr263Ile (NM_001313903.2); c.707C>T, p.Thr236Ile (NM_001313904.1); short protein forms T263I, T236I, T320I, T306I, T313I, T336I.
Identifiers: ClinVar variation 2972872 (VCV002972872.3), dbSNP rs1373655177, ClinGen allele CA349372618.